The following is an entry in ClinVar:

ClinVar aggregate classification (germline): Uncertain significance (1 of 4 stars; one submission).

Submission:

GeneDx
Classification: Uncertain significance. Last evaluated: 2019-10-22. Review status: criteria provided, single submitter. Criteria: GeneDx Variant Classification Process June 2021. Collection method: clinical testing. Allele origin: germline. Affected: yes.
Comment: In silico analysis, which includes protein predictors and evolutionary conservation, supports a deleterious effect; Not observed in large population cohorts (Lek et al., 2016); This variant is associated with the following publications: (PMID: 25802881)

NM_000516.7(GNAS):c.662T>C (p.Met221Thr)

Gene: GNAS (GNAS complex locus; plus strand). Cytogenetic location: 20q13.32.
Variant type: single nucleotide variant.
Coding change: c.662T>C on transcript NM_000516.7 (MANE Select); coding-DNA position 662, T replaced by C.
Protein change: p.Met221Thr; replaces methionine 221 with threonine.
Molecular consequence: missense variant. On other transcripts: 3 prime UTR variant (2).
Genome position (GRCh38, 1-based): chr20:58,909,523, T>C. VCF-style: chr20-58909523-T-C. GRCh37 (hg19) VCF-style: chr20-57484578-T-C.
Other names: c.665T>C, p.Met222Thr (NM_001077488.5); c.617T>C, p.Met206Thr (NM_001077489.4); c.*523T>C (NM_001077490.3); c.485T>C, p.Met162Thr (NM_001309840.2, NM_001309861.2); c.*568T>C (NM_016592.5); c.2591T>C, p.Met864Thr (NM_080425.4); c.620T>C, p.Met207Thr (NM_080426.4); short protein forms M162T, M206T, M207T, M221T, M222T, M864T.
Identifiers: ClinVar variation 1317297 (VCV001317297.2), dbSNP rs2146277719, ClinGen allele CA409452263.